The following is an entry in ClinVar:

ClinVar aggregate classification (germline): Uncertain significance (1 of 4 stars; one submission).

Allele frequency attached by ClinVar (database versions not stated): ExAC 0.00001; gnomAD exomes 0.00002; TOPMed 0.00004; gnomAD 0.00007; ESP Exome Variant Server 0.00008.
gnomAD v4.1: 33 of 1,613,612 alleles (0.002%); highest among the groups gnomAD compares: African/African-American, 0.0027%; no homozygotes.

Submission:

Ambry Genetics
Classification: Uncertain significance. Last evaluated: 2023-02-12. Review status: criteria provided, single submitter. Criteria: Ambry Variant Classification Scheme 2023. Collection method: clinical testing. Allele origin: germline.
Comment: The p.E1012A variant (also known as c.3035A>C), located in coding exon 24 of the BUB1 gene, results from an A to C substitution at nucleotide position 3035. The glutamic acid at codon 1012 is replaced by alanine, an amino acid with dissimilar properties. This amino acid position is conserved. In addition, this alteration is predicted to be tolerated by in silico analysis. Since supporting evidence is limited at this time, the clinical significance of this alteration remains unclear.

NM_004336.5(BUB1):c.3035A>C (p.Glu1012Ala)

Gene: BUB1 (BUB1 mitotic checkpoint serine/threonine kinase; minus strand). Cytogenetic location: 2q13.
Variant type: single nucleotide variant.
Coding change: c.3035A>C on transcript NM_004336.5 (MANE Select); coding-DNA position 3035, A replaced by C.
Protein change: p.Glu1012Ala; replaces glutamic acid 1012 with alanine.
Molecular consequence: missense variant.
Genome position (GRCh38, 1-based): chr2:110,639,769, T>G on the plus strand (A>C on the coding strand, the complement: BUB1 is on the minus strand). VCF-style: chr2-110639769-T-G. GRCh37 (hg19) VCF-style: chr2-111397346-T-G.
Other names: c.2975A>C, p.Glu992Ala (NM_001278616.2); c.2864A>C, p.Glu955Ala (NM_001278617.2); short protein forms E955A, E1012A, E992A.
Identifiers: ClinVar variation 2464633 (VCV002464633.2), dbSNP rs369159867, ClinGen allele CA1827642.